The following is an entry in ClinVar:

NM_020937.4(FANCM):c.2920G>A (p.Asp974Asn)

Gene: FANCM (FA complementation group M; plus strand). Cytogenetic location: 14q21.2.
Variant type: single nucleotide variant.
Coding change: c.2920G>A on transcript NM_020937.4 (MANE Select); coding-DNA position 2920, G replaced by A.
Protein change: p.Asp974Asn; replaces aspartic acid 974 with asparagine.
Molecular consequence: missense variant.
Genome position (GRCh38, 1-based): chr14:45,175,674, G>A. VCF-style: chr14-45175674-G-A. GRCh37 (hg19) VCF-style: chr14-45644877-G-A.
Other names: c.2842G>A, p.Asp948Asn (NM_001308133.2); c.2920G>A (NM_020937.2); short protein forms D948N, D974N.
Identifiers: ClinVar variation 1009249 (VCV001009249.9), dbSNP rs753999208, ClinGen allele CA7169431.

ClinVar aggregate classification (germline): Uncertain significance. Review status: criteria provided, multiple submitters, no conflicts (2 of 4 stars). 2 submissions from 2 submitters: Uncertain significance (2). Last evaluated 2025-04-29.

Conditions:
Fanconi anemia (FA). Also called: Fanconi's anemia. Identifiers: Orphanet 84, MedGen C0015625, MeSH D005199, MONDO:0019391.

Allele frequency attached by ClinVar (database versions not stated): gnomAD exomes 0.00001 and 0.00002; ExAC 0.00002; gnomAD 0.00002; TOPMed 0.00003.
gnomAD v4.1: 10 of 1,613,252 alleles (0.00062%); highest among the groups gnomAD compares: African/African-American, 0.008%; no homozygotes.

Submissions (2):

GeneDx
Classification: Uncertain significance. Last evaluated: 2025-04-29. Review status: criteria provided, single submitter. Criteria: GeneDx Variant Classification Process June 2021. Collection method: clinical testing. Allele origin: germline. Affected: yes.
Comment: In silico analysis indicates that this missense variant does not alter protein structure/function; Has not been previously published as pathogenic or benign to our knowledge

Labcorp Genetics (formerly Invitae), Labcorp
Classification: Uncertain significance for Fanconi anemia. Last evaluated: 2020-10-20. Review status: criteria provided, single submitter. Criteria: Invitae Variant Classification Sherloc (09022015). Collection method: clinical testing. Allele origin: germline.
Comment: In summary, the available evidence is currently insufficient to determine the role of this variant in disease. Therefore, it has been classified as a Variant of Uncertain Significance. Algorithms developed to predict the effect of missense changes on protein structure and function (SIFT, PolyPhen-2, Align-GVGD) all suggest that this variant is likely to be tolerated, but these predictions have not been confirmed by published functional studies and their clinical significance is uncertain. This variant has not been reported in the literature in individuals with FANCM-related conditions. This variant is present in population databases (rs753999208, ExAC 0.01%). This sequence change replaces aspartic acid with asparagine at codon 974 of the FANCM protein (p.Asp974Asn). The aspartic acid residue is weakly conserved and there is a small physicochemical difference between aspartic acid and asparagine.